The following is an entry in ClinVar:

ClinVar aggregate classification (germline): Pathogenic (1 of 4 stars; one submission).

Conditions:
Ellis-van Creveld syndrome (EVC). Also called: EVC-Related Ellis-van Creveld Syndrome; EVC2-Related Ellis-van Creveld Syndrome; MESOECTODERMAL DYSPLASIA; Chondroectodermal dysplasia. Identifiers: Orphanet 289, MedGen C0013903, MONDO:0009162, OMIM 225500.
Curry-Hall syndrome (WAD). Also called: WEYERS ACRODENTAL DYSOSTOSIS. Identifiers: Orphanet 952, MedGen C0457013, MONDO:0008673, OMIM 193530.

Submission:

Labcorp Genetics (formerly Invitae), Labcorp
Classification: Pathogenic for Curry-Hall syndrome; Ellis-van Creveld syndrome. Last evaluated: 2024-01-30. Review status: criteria provided, single submitter. Criteria: Invitae Variant Classification Sherloc (09022015). Collection method: clinical testing. Allele origin: germline.
Comment: This sequence change creates a premature translational stop signal (p.Gln320*) in the EVC gene. It is expected to result in an absent or disrupted protein product. Loss-of-function variants in EVC are known to be pathogenic (PMID: 23220543). This variant is not present in population databases (gnomAD no frequency). This variant has not been reported in the literature in individuals affected with EVC-related conditions. For these reasons, this variant has been classified as Pathogenic.

Literature cited by the submitters: PubMed 23220543.

NM_153717.3(EVC):c.958C>T (p.Gln320Ter)

Gene: EVC (EvC ciliary complex subunit 1; plus strand). Cytogenetic location: 4p16.2.
Variant type: single nucleotide variant.
Coding change: c.958C>T on transcript NM_153717.3 (MANE Select); coding-DNA position 958, C replaced by T.
Protein change: p.Gln320Ter; replaces glutamine 320 with a stop codon.
Molecular consequence: nonsense.
Genome position (GRCh38, 1-based): chr4:5,748,166, C>T. VCF-style: chr4-5748166-C-T. GRCh37 (hg19) VCF-style: chr4-5749893-C-T.
Other names: c.958C>T, p.Gln320Ter (NM_001306090.2, NM_001306092.2); short protein forms Q320*.
Identifiers: ClinVar variation 2954304 (VCV002954304.3), dbSNP rs2475159965, ClinGen allele CA356151068.